The following is an entry in ClinVar:

NM_004655.4(AXIN2):c.556G>A (p.Ala186Thr)

Gene: AXIN2 (axin 2; minus strand). Cytogenetic location: 17q24.1.
Variant type: single nucleotide variant.
Coding change: c.556G>A on transcript NM_004655.4 (MANE Select); coding-DNA position 556, G replaced by A.
Protein change: p.Ala186Thr; replaces alanine 186 with threonine.
Molecular consequence: missense variant.
Genome position (GRCh38, 1-based): chr17:65,558,065, C>T on the plus strand (G>A on the coding strand, the complement: AXIN2 is on the minus strand). VCF-style: chr17-65558065-C-T. GRCh37 (hg19) VCF-style: chr17-63554183-C-T.
Other names: c.556G>A, p.Ala186Thr (NM_001363813.1); short protein forms A186T.
Identifiers: ClinVar variation 3224408 (VCV003224408.3), dbSNP rs2044298470, ClinGen allele CA400680897.

ClinVar aggregate classification (germline): Uncertain significance. Review status: criteria provided, multiple submitters, no conflicts (2 of 4 stars). 2 submissions from 2 submitters: Uncertain significance (2). Last evaluated 2024-10-22.

Conditions:
Oligodontia-cancer predisposition syndrome. Also called: TOOTH AGENESIS-COLORECTAL CANCER SYNDROME. Identifiers: Orphanet 300576, MedGen C1837750, MONDO:0012075, OMIM 608615. Disease mechanism: loss of function.
Hereditary cancer-predisposing syndrome. Also called: Tumor predisposition; Hereditary neoplastic syndrome; Hereditary Cancer Syndrome; Neoplastic Syndromes, Hereditary. Identifiers: Orphanet 140162, MedGen C0027672, MeSH D009386, MONDO:0015356.

Submissions (2):

Labcorp Genetics (formerly Invitae), Labcorp
Classification: Uncertain significance for Oligodontia-cancer predisposition syndrome. Last evaluated: 2024-10-22. Review status: criteria provided, single submitter. Criteria: Invitae Variant Classification Sherloc (09022015). Collection method: clinical testing. Allele origin: germline.
Comment: This sequence change replaces alanine, which is neutral and non-polar, with threonine, which is neutral and polar, at codon 186 of the AXIN2 protein (p.Ala186Thr). This variant is not present in population databases (gnomAD no frequency). This variant has not been reported in the literature in individuals affected with AXIN2-related conditions. Invitae Evidence Modeling of protein sequence and biophysical properties (such as structural, functional, and spatial information, amino acid conservation, physicochemical variation, residue mobility, and thermodynamic stability) indicates that this missense variant is not expected to disrupt AXIN2 protein function with a negative predictive value of 80%. In summary, the available evidence is currently insufficient to determine the role of this variant in disease. Therefore, it has been classified as a Variant of Uncertain Significance.

Ambry Genetics
Classification: Uncertain significance for Hereditary cancer-predisposing syndrome. Last evaluated: 2023-11-01. Review status: criteria provided, single submitter. Criteria: Ambry Variant Classification Scheme 2023. Collection method: clinical testing. Allele origin: germline.
Comment: The p.A186T variant (also known as c.556G>A), located in coding exon 1 of the AXIN2 gene, results from a G to A substitution at nucleotide position 556. The alanine at codon 186 is replaced by threonine, an amino acid with similar properties. This amino acid position is highly conserved in available vertebrate species. In addition, this alteration is predicted to be tolerated by in silico analysis. Since supporting evidence is limited at this time, the clinical significance of this alteration remains unclear.